The following is an entry in ClinVar:

ClinVar aggregate classification (germline): Likely benign. Review status: criteria provided, multiple submitters, no conflicts (2 of 4 stars). 2 submissions from 2 submitters: Likely benign (2). Last evaluated 2026-08-12.

Conditions:
SDHA-related disorder. Also called: SDHA-related condition; SDHA-related disorders.
Pheochromocytoma/paraganglioma syndrome 5. Also called: Paragangliomas 5; SDHA-Related Hereditary Paraganglioma-Pheochromocytoma Syndrome. Identifiers: Orphanet 29072, MedGen C3279992, MONDO:0013602, OMIM 614165.

gnomAD v4.1: 41 of 1,613,956 alleles (0.0025%); highest among the groups gnomAD compares: African/African-American, 0.0053%; no homozygotes.

Submissions (2):

PreventionGenetics, part of Exact Sciences
Classification: Likely benign for SDHA-related condition. Last evaluated: 2026-08-12. Review status: criteria provided, single submitter. Criteria: ACMG Guidelines, 2015. Collection method: clinical testing. Allele origin: germline.
Comment: This variant is classified as likely benign based on ACMG/AMP sequence variant interpretation guidelines (Richards et al. 2015 PMID: 25741868, with internal and published modifications).

Myriad Genetics, Inc.
Classification: Likely benign for Pheochromocytoma/paraganglioma syndrome 5. Last evaluated: 2025-03-03. Review status: criteria provided, single submitter. Criteria: Myriad Autosomal Dominant, Autosomal Recessive and X-Linked Classification Criteria (2023). Collection method: clinical testing. Allele origin: unknown.
Comment: This variant is considered likely benign. This variant is intronic and is not expected to impact mRNA splicing.

NM_004168.4(SDHA):c.771-11A>C

Gene: SDHA (succinate dehydrogenase complex flavoprotein subunit A; plus strand). Cytogenetic location: 5p15.33.
Variant type: single nucleotide variant.
Coding change: c.771-11A>C on transcript NM_004168.4 (MANE Select); 11 bases into the intron before coding-DNA position 771, A replaced by C.
Molecular consequence: intron variant.
Genome position (GRCh38, 1-based): chr5:230,865, A>C. VCF-style: chr5-230865-A-C. GRCh37 (hg19) VCF-style: chr5-230980-A-C.
Other names: c.771-11A>C (NM_004168.3, NM_001330758.2); c.627-11A>C (NM_001294332.2).
Identifiers: ClinVar variation 3904362 (VCV003904362.2).